The following is an entry in ClinVar:

ClinVar aggregate classification (germline): Uncertain significance (1 of 4 stars; one submission).

Conditions:
Congenital disorder of deglycosylation (CDDG). Identifiers: MedGen C3808991, MONDO:0031376.

Submission:

Labcorp Genetics (formerly Invitae), Labcorp
Classification: Uncertain significance for Congenital disorder of deglycosylation. Last evaluated: 2022-09-13. Review status: criteria provided, single submitter. Criteria: Invitae Variant Classification Sherloc (09022015). Collection method: clinical testing. Allele origin: germline.
Comment: This sequence change replaces aspartic acid, which is acidic and polar, with alanine, which is neutral and non-polar, at codon 114 of the NGLY1 protein (p.Asp114Ala). This variant is not present in population databases (gnomAD no frequency). This variant has not been reported in the literature in individuals affected with NGLY1-related conditions. ClinVar contains an entry for this variant (Variation ID: 1441008). Advanced modeling of protein sequence and biophysical properties (such as structural, functional, and spatial information, amino acid conservation, physicochemical variation, residue mobility, and thermodynamic stability) performed at Invitae indicates that this missense variant is not expected to disrupt NGLY1 protein function. In summary, the available evidence is currently insufficient to determine the role of this variant in disease. Therefore, it has been classified as a Variant of Uncertain Significance.

NM_018297.4(NGLY1):c.341A>C (p.Asp114Ala)

Gene: NGLY1 (N-glycanase 1; minus strand). Cytogenetic location: 3p24.2.
Variant type: single nucleotide variant.
Coding change: c.341A>C on transcript NM_018297.4 (MANE Select); coding-DNA position 341, A replaced by C.
Protein change: p.Asp114Ala; replaces aspartic acid 114 with alanine.
Molecular consequence: missense variant.
Genome position (GRCh38, 1-based): chr3:25,764,217, T>G on the plus strand (A>C on the coding strand, the complement: NGLY1 is on the minus strand). VCF-style: chr3-25764217-T-G. GRCh37 (hg19) VCF-style: chr3-25805708-T-G.
Other names: c.341A>C, p.Asp114Ala (NM_001145293.2, NM_001145295.2); c.215A>C, p.Asp72Ala (NM_001145294.2); short protein forms D114A, D72A.
Identifiers: ClinVar variation 1441008 (VCV001441008.5), dbSNP rs2125289618, ClinGen allele CA351909227.
Genomic context (GRCh38, chr3:25,764,217, plus strand): 5'-AGCTGGGTACTGGCTGCAGGTTGCTGAGATGACTTTACTTTGTGGCTCTTATTTGAGCCA[T>G]CCAGTCTGCTACTTCTCTCTATGGCAATCAGGTCACGAATTTTTTGCAGCTGCTCCACTG-3'
Protein context (NP_060767.2, residues 104-124): LIAIERSSRL[Asp114Ala]GSNKSHKVKS